The following is an entry in ClinVar:

NM_003126.4(SPTA1):c.4240C>T (p.Arg1414Cys)

Gene: SPTA1 (spectrin alpha, erythrocytic 1; minus strand). Cytogenetic location: 1q23.1.
Variant type: single nucleotide variant.
Coding change: c.4240C>T on transcript NM_003126.4 (MANE Select); coding-DNA position 4240, C replaced by T.
Protein change: p.Arg1414Cys; replaces arginine 1414 with cysteine.
Molecular consequence: missense variant.
Genome position (GRCh38, 1-based): chr1:158,644,351, G>A on the plus strand (C>T on the coding strand, the complement: SPTA1 is on the minus strand). VCF-style: chr1-158644351-G-A. GRCh37 (hg19) VCF-style: chr1-158614141-G-A.
Other names: short protein forms R1414C.
Identifiers: ClinVar variation 874462 (VCV000874462.29), dbSNP rs201399968, ClinGen allele CA1182783.
Genomic context (GRCh38, chr1:158,644,351, plus strand): 5'-TCATCAAAGCCTCCAGACTGTCTAAGGAACTTTTGTCATCTGACCTCAGGGAATTCTCAC[G>A]TGCCACCATCCAGCTCTCAACTTGATCACAGTTCCCCTGGAACATCTATGAGGAATCAAA-3'
Protein context (NP_003117.2, residues 1404-1424): CDQVESWMVA[Arg1414Cys]ENSLRSDDKS

ClinVar aggregate classification (germline): Conflicting classifications of pathogenicity. Review status: criteria provided, conflicting classifications (1 of 4 stars). 7 submissions from 5 submitters: Uncertain significance (6); Likely benign (1). Last evaluated 2025-07-17.

Conditions:
Hereditary spherocytosis type 3. Also called: SPTA1-Related Spherocytosis; Spherocytosis type 3. Identifiers: Orphanet 822, MedGen C2678338, MONDO:0010053, OMIM 270970.
Elliptocytosis 2 (EL2). Also called: ELLIPTOCYTOSIS, RHESUS-UNLINKED TYPE. Identifiers: Orphanet 288, MedGen C1851741, MONDO:0007533, OMIM 130600.
Pyropoikilocytosis, hereditary. Also called: Pyropoikilocytosis. Identifiers: MedGen C0520739, MONDO:0009948, OMIM 266140, HP:0004839. Disease mechanism: loss of function.

Allele frequency attached by ClinVar (database versions not stated): ExAC 0.00021; ESP Exome Variant Server 0.00025; gnomAD exomes 0.00026; TOPMed 0.00035.
gnomAD v4.1: 705 of 1,613,730 alleles (0.044%); highest among the groups gnomAD compares: Non-Finnish European, 0.057%; 1 homozygote.

Submissions (7):

Labcorp Genetics (formerly Invitae), Labcorp
Classification: Likely benign. Last evaluated: 2025-07-17. Review status: criteria provided, single submitter. Criteria: Invitae Variant Classification Sherloc (09022015). Collection method: clinical testing. Allele origin: germline.

CeGaT Center for Human Genetics Tuebingen
Classification: Uncertain significance. Last evaluated: 2024-07-01. Review status: criteria provided, single submitter. Criteria: CeGaT Center For Human Genetics Tuebingen Variant Classification Criteria Version 2. Collection method: clinical testing. Allele origin: germline. Affected: yes. Observed: 1 variant allele.
Comment: SPTA1: PM2

Revvity Omics, Revvity
Classification: Uncertain significance. Last evaluated: 2023-09-06. Review status: criteria provided, single submitter. Criteria: ACMG Guidelines, 2015. Collection method: clinical testing. Allele origin: germline.

ARUP Laboratories, Molecular Genetics and Genomics, ARUP Laboratories
Classification: Uncertain significance. Last evaluated: 2022-03-22. Review status: criteria provided, single submitter. Criteria: ARUP Molecular Germline Variant Investigation Process 2021. Collection method: clinical testing. Allele origin: germline.

Illumina Laboratory Services, Illumina
Classification: Uncertain significance for Elliptocytosis 2. Last evaluated: 2018-01-13. Review status: criteria provided, single submitter. Criteria: ICSL Variant Classification Criteria 13 December 2019. Collection method: clinical testing. Allele origin: germline.

Illumina Laboratory Services, Illumina
Classification: Uncertain significance for Pyropoikilocytosis, hereditary. Last evaluated: 2018-01-13. Review status: criteria provided, single submitter. Criteria: ICSL Variant Classification Criteria 13 December 2019. Collection method: clinical testing. Allele origin: germline.

Illumina Laboratory Services, Illumina
Classification: Uncertain significance for Hereditary spherocytosis type 3. Last evaluated: 2018-01-13. Review status: criteria provided, single submitter. Criteria: ICSL Variant Classification Criteria 13 December 2019. Collection method: clinical testing. Allele origin: germline.